The following is an entry in ClinVar:

ClinVar aggregate classification (germline): Pathogenic (1 of 4 stars; one submission).

Submission:

Labcorp Genetics (formerly Invitae), Labcorp
Classification: Pathogenic. Last evaluated: 2018-10-29. Review status: criteria provided, single submitter. Criteria: Invitae Variant Classification Sherloc (09022015). Collection method: clinical testing. Allele origin: germline.
Comment: For these reasons, this variant has been classified as Pathogenic. This sequence change creates a premature translational stop signal (p.Gln1405*) in the NSD1 gene. It is expected to result in an absent or disrupted protein product. This variant is not present in population databases (ExAC no frequency). This variant has not been reported in the literature in individuals with NSD1-related disease. Loss-of-function variants in NSD1 are known to be pathogenic (PMID: 12464997, 14571271, 15942875, 16247291).

Literature cited by the submitters: PubMed 12464997; PubMed 14571271; PubMed 15942875; PubMed 16247291.

NM_022455.5(NSD1):c.4213C>T (p.Gln1405Ter)

Gene: NSD1 (nuclear receptor binding SET domain protein 1; plus strand). Cytogenetic location: 5q35.3.
Variant type: single nucleotide variant.
Coding change: c.4213C>T on transcript NM_022455.5 (MANE Select); coding-DNA position 4213, C replaced by T.
Protein change: p.Gln1405Ter; replaces glutamine 1405 with a stop codon.
Molecular consequence: nonsense.
Genome position (GRCh38, 1-based): chr5:177,239,776, C>T. VCF-style: chr5-177239776-C-T. GRCh37 (hg19) VCF-style: chr5-176666777-C-T.
Other names: c.3340C>T, p.Gln1114Ter (NM_001365684.2, NM_001409306.1, NM_001409307.1 and 3 more transcripts); c.4213C>T, p.Gln1405Ter (NM_001409301.1, NM_001409302.1, NM_001409303.1); c.3793C>T, p.Gln1265Ter (NM_001409304.1); c.3460C>T, p.Gln1154Ter (NM_001409305.1); short protein forms Q1405*, Q1136*, Q1154*, Q1114*, Q1265*.
Identifiers: ClinVar variation 643318 (VCV000643318.8), dbSNP rs1581411478, ClinGen allele CA362343382.